The following is an entry in ClinVar:

ClinVar aggregate classification (germline): Uncertain significance. Review status: criteria provided, multiple submitters, no conflicts (2 of 4 stars). 2 submissions from 2 submitters: Uncertain significance (2). Last evaluated 2025-03-25.

Conditions:
Inborn genetic diseases. Identifiers: MedGen C0950123, MeSH D030342.

Submissions (2):

Ambry Genetics
Classification: Uncertain significance for Inborn genetic diseases. Last evaluated: 2025-03-25. Review status: criteria provided, single submitter. Criteria: Ambry Variant Classification Scheme 2023. Collection method: clinical testing. Allele origin: germline.

CeGaT Center for Human Genetics Tuebingen
Classification: Uncertain significance. Last evaluated: 2024-09-01. Review status: criteria provided, single submitter. Criteria: CeGaT Center For Human Genetics Tuebingen Variant Classification Criteria Version 2. Collection method: clinical testing. Allele origin: germline. Affected: yes. Observed: 1 variant allele.
Comment: GCLC: PM2, PM3:Supporting, PP3

NM_001498.4(GCLC):c.860G>A (p.Arg287Gln)

Gene: GCLC (glutamate-cysteine ligase catalytic subunit; minus strand). Cytogenetic location: 6p12.1.
Variant type: single nucleotide variant.
Coding change: c.860G>A on transcript NM_001498.4 (MANE Select); coding-DNA position 860, G replaced by A.
Protein change: p.Arg287Gln; replaces arginine 287 with glutamine.
Molecular consequence: missense variant.
Genome position (GRCh38, 1-based): chr6:53,508,680, C>T on the plus strand (G>A on the coding strand, the complement: GCLC is on the minus strand). VCF-style: chr6-53508680-C-T. GRCh37 (hg19) VCF-style: chr6-53373478-C-T.
Other names: c.746G>A, p.Arg249Gln (NM_001197115.2); c.860G>A (NM_001498.3); short protein forms R249Q, R287Q.
Identifiers: ClinVar variation 3389589 (VCV003389589.14).